The following is an entry in ClinVar:

ClinVar aggregate classification (germline): Pathogenic. Review status: criteria provided, multiple submitters, no conflicts (2 of 4 stars). 2 submissions from 2 submitters: Pathogenic (2). Last evaluated 2025-12-31.

Conditions:
NF1-related disorder. Also called: NF1-related condition. Identifiers: MedGen CN379171.

Submissions (2):

PreventionGenetics, part of Exact Sciences
Classification: Pathogenic for NF1-related condition. Last evaluated: 2025-12-31. Review status: criteria provided, single submitter. Criteria: ACMG Guidelines, 2015. Collection method: clinical testing. Allele origin: germline.
Comment: The NF1 c.5339delA variant is predicted to result in a frameshift and premature protein termination (p.Asn1780Metfs*14). This variant is alternatively referred to as c.5276del (p.Asn1759Metfs*14) in the alternate transcript NM_000267. This variant has been reported in two individuals with neurofibromatosis type 1 (Melloni et al. 2019. PubMed ID: 31766501). This variant has not been reported in a large population database (gnomAD), indicating this variant is rare. Frameshift variants in NF1 are expected to be pathogenic. This variant is interpreted as pathogenic.

GeneDx
Classification: Pathogenic. Last evaluated: 2025-05-22. Review status: criteria provided, single submitter. Criteria: GeneDx Variant Classification Process June 2021. Collection method: clinical testing. Allele origin: germline. Affected: yes.
Comment: Frameshift variant predicted to result in protein truncation or nonsense mediated decay in a gene for which loss of function is a known mechanism of disease; Not observed at significant frequency in large population cohorts (gnomAD); This variant is associated with the following publications: (PMID: 31766501)

NM_001042492.3(NF1):c.5339del (p.Asn1780fs)

Gene: NF1 (neurofibromin 1; plus strand). Cytogenetic location: 17q11.2.
Variant type: Deletion.
Coding change: c.5339del on transcript NM_001042492.3 (MANE Select); coding-DNA position 5339, one base deleted (A; older notation c.5339delA).
Protein change: p.Asn1780fs; shifts the reading frame from asparagine 1780.
Molecular consequence: frameshift variant.
Genome position (GRCh38, 1-based): chr17:31,327,569, A deleted; the last of 3 consecutive A bases (chr17:31,327,567-31,327,569); deleting any one gives the same sequence. VCF-style (leftmost placement, unchanged base first): chr17-31327566-TA-T. GRCh37 (hg19) VCF-style: chr17-29654584-TA-T.
Other names: c.5276delA, p.Asn1759Metfs (NM_000267.3); c.5276del, p.Asn1759fs (NM_000267.4); short protein forms N1759fs, N1780fs.
Identifiers: ClinVar variation 4530796 (VCV004530796.2).